The following is an entry in ClinVar:

ClinVar aggregate classification (germline): Uncertain significance (1 of 4 stars; one submission).

Conditions:
Joubert syndrome 21 (JBTS21). Identifiers: MedGen C3810212, MONDO:0014288, OMIM 615636.

Submission:

Labcorp Genetics (formerly Invitae), Labcorp
Classification: Uncertain significance for Joubert syndrome 21. Last evaluated: 2021-08-29. Review status: criteria provided, single submitter. Criteria: Invitae Variant Classification Sherloc (09022015). Collection method: clinical testing. Allele origin: germline.
Comment: This variant has not been reported in the literature in individuals affected with CSPP1-related conditions. This sequence change replaces glycine with alanine at codon 1168 of the CSPP1 protein (p.Gly1168Ala). The glycine residue is moderately conserved and there is a small physicochemical difference between glycine and alanine. This variant is not present in population databases (ExAC no frequency). Algorithms developed to predict the effect of missense changes on protein structure and function (SIFT, PolyPhen-2, Align-GVGD) all suggest that this variant is likely to be tolerated. In summary, the available evidence is currently insufficient to determine the role of this variant in disease. Therefore, it has been classified as a Variant of Uncertain Significance.

NM_001382391.1(CSPP1):c.3518G>C (p.Gly1173Ala)

Genes: ARFGEF1 (ARF guanine nucleotide exchange factor 1; minus strand), CSPP1 (centrosome and spindle pole associated protein 1; plus strand). Cytogenetic location: 8q13.2.
Variant type: single nucleotide variant.
Coding change: c.3518G>C on transcript NM_001382391.1 (MANE Select); coding-DNA position 3518, G replaced by C.
Protein change: p.Gly1173Ala; replaces glycine 1173 with alanine.
Molecular consequence: missense variant. On other transcripts: 3 prime UTR variant (1), intron variant (2).
Genome position (GRCh38, 1-based): chr8:67,195,430, G>C. VCF-style: chr8-67195430-G-C. GRCh37 (hg19) VCF-style: chr8-68107665-G-C.
Other names: c.2468G>C, p.Gly823Ala (NM_001291339.2); c.3437G>C, p.Gly1146Ala (NM_001363131.2); c.3323G>C, p.Gly1108Ala (NM_001363132.2); c.3242G>C, p.Gly1081Ala (NM_001363133.2); c.3584G>C, p.Gly1195Ala (NM_001364869.1); c.3404G>C, p.Gly1135Ala (NM_001364870.1); c.3350G>C, p.Gly1117Ala (NM_001438330.1); c.*10G>C (NM_001438331.1); and 4 more; short protein forms G1195A, G1135A, G1081A, G823A, G1108A, G1146A, G1168A, G1173A.
Identifiers: ClinVar variation 1439415 (VCV001439415.6), dbSNP rs1837735009, ClinGen allele CA371204172.